The following is an entry in ClinVar:

ClinVar aggregate classification (germline): Uncertain significance. Review status: criteria provided, multiple submitters, no conflicts (2 of 4 stars). 4 submissions from 4 submitters: Uncertain significance (4). Last evaluated 2025-07-29.

Conditions:
Nephronophthisis 15 (NPHP15). Identifiers: Orphanet 3156, MedGen C3541853, MONDO:0013917, OMIM 614845.
CEP164-related disorder. Also called: CEP164-related condition.

Allele frequency attached by ClinVar (database versions not stated): gnomAD exomes 0.00001.
gnomAD v4.1: 3 of 1,614,190 alleles (0.00019%); highest among the groups gnomAD compares: Admixed American, 0.005%; no homozygotes.

Submissions (4):

PreventionGenetics, part of Exact Sciences
Classification: Uncertain significance for CEP164-related condition. Last evaluated: 2025-07-29. Review status: criteria provided, single submitter. Criteria: ACMG Guidelines, 2015. Collection method: clinical testing. Allele origin: germline.
Comment: The CEP164 c.1759C>T variant is predicted to result in the amino acid substitution p.Leu587Phe. To our knowledge, this variant has not been reported in the literature. This variant is reported in 0.0058% of alleles in individuals of Latino descent in gnomAD. At this time, the clinical significance of this variant is uncertain due to the absence of conclusive functional and genetic evidence.

Labcorp Genetics (formerly Invitae), Labcorp
Classification: Uncertain significance for Nephronophthisis 15. Last evaluated: 2022-07-05. Review status: criteria provided, single submitter. Criteria: Invitae Variant Classification Sherloc (09022015). Collection method: clinical testing. Allele origin: germline.
Comment: This sequence change replaces leucine, which is neutral and non-polar, with phenylalanine, which is neutral and non-polar, at codon 587 of the CEP164 protein (p.Leu587Phe). This variant is present in population databases (no rsID available, gnomAD 0.006%). This variant has not been reported in the literature in individuals affected with CEP164-related conditions. ClinVar contains an entry for this variant (Variation ID: 1385219). Algorithms developed to predict the effect of missense changes on protein structure and function output the following: SIFT: "Tolerated"; PolyPhen-2: "Benign"; Align-GVGD: "Class C0". The phenylalanine amino acid residue is found in multiple mammalian species, which suggests that this missense change does not adversely affect protein function. In summary, the available evidence is currently insufficient to determine the role of this variant in disease. Therefore, it has been classified as a Variant of Uncertain Significance.

GeneDx
Classification: Uncertain significance. Last evaluated: 2022-04-29. Review status: criteria provided, single submitter. Criteria: GeneDx Variant Classification Process June 2021. Collection method: clinical testing. Allele origin: germline. Affected: yes.
Comment: In silico analysis supports that this missense variant does not alter protein structure/function; Has not been previously published as pathogenic or benign to our knowledge

Fulgent Genetics
Classification: Uncertain significance for Nephronophthisis 15. Last evaluated: 2021-12-29. Review status: criteria provided, single submitter. Criteria: ACMG Guidelines, 2015. Collection method: clinical testing. Allele origin: unknown.

NM_014956.5(CEP164):c.1759C>T (p.Leu587Phe)

Gene: CEP164 (centrosomal protein 164; plus strand). Cytogenetic location: 11q23.3.
Variant type: single nucleotide variant.
Coding change: c.1759C>T on transcript NM_014956.5 (MANE Select); coding-DNA position 1759, C replaced by T.
Protein change: p.Leu587Phe; replaces leucine 587 with phenylalanine.
Molecular consequence: missense variant.
Genome position (GRCh38, 1-based): chr11:117,387,237, C>T. VCF-style: chr11-117387237-C-T. GRCh37 (hg19) VCF-style: chr11-117257953-C-T.
Other names: c.1768C>T, p.Leu590Phe (NM_001271933.2); short protein forms L590F, L587F.
Identifiers: ClinVar variation 1385219 (VCV001385219.8), dbSNP rs923498039, ClinGen allele CA229355467.